The following is an entry in ClinVar:

NM_003640.5(ELP1):c.3856-1G>A

Gene: ELP1 (elongator acetyltransferase complex subunit 1; minus strand). Cytogenetic location: 9q31.3.
Variant type: single nucleotide variant.
Coding change: c.3856-1G>A on transcript NM_003640.5 (MANE Select); the canonical splice acceptor site of the intron before coding-DNA position 3856, G replaced by A.
Molecular consequence: splice acceptor variant.
Genome position (GRCh38, 1-based): chr9:108,874,971, C>T on the plus strand (G>A on the coding strand, the complement: ELP1 is on the minus strand). VCF-style: chr9-108874971-C-T. GRCh37 (hg19) VCF-style: chr9-111637251-C-T.
Other names: c.3514-1G>A (NM_001318360.2); c.2809-1G>A (NM_001330749.2).
Identifiers: ClinVar variation 2133461 (VCV002133461.4), dbSNP rs2537850034, ClinGen allele CA374410505.

ClinVar aggregate classification (germline): Likely pathogenic (1 of 4 stars; one submission).

Submission:

Labcorp Genetics (formerly Invitae), Labcorp
Classification: Likely pathogenic. Last evaluated: 2022-05-04. Review status: criteria provided, single submitter. Criteria: Invitae Variant Classification Sherloc (09022015). Collection method: clinical testing. Allele origin: germline.
Comment: In summary, the currently available evidence indicates that the variant is pathogenic, but additional data are needed to prove that conclusively. Therefore, this variant has been classified as Likely Pathogenic. Algorithms developed to predict the effect of sequence changes on RNA splicing suggest that this variant may disrupt the consensus splice site. This variant has not been reported in the literature in individuals affected with ELP1-related conditions. This variant is not present in population databases (gnomAD no frequency). This sequence change affects an acceptor splice site in intron 35 of the ELP1 gene. It is expected to disrupt RNA splicing. Variants that disrupt the donor or acceptor splice site typically lead to a loss of protein function (PMID: 16199547), and loss-of-function variants in ELP1 are known to be pathogenic (PMID: 18303054, 24173031).

Literature cited by the submitters: PubMed 16199547; PubMed 18303054; PubMed 24173031.